The following is an entry in ClinVar:

ClinVar aggregate classification (germline): Uncertain significance. Review status: criteria provided, multiple submitters, no conflicts (2 of 4 stars). 2 submissions from 2 submitters: Uncertain significance (2). Last evaluated 2026-02-19.

Conditions:
Primary ciliary dyskinesia 23 (CILD23). Also called: CILIARY DYSKINESIA, PRIMARY, 23, WITH OR WITHOUT SITUS INVERSUS. Identifiers: Orphanet 244, MedGen C3809548, MONDO:0014193, OMIM 615451.
Primary ciliary dyskinesia. Also called: Ciliary dyskinesia. Identifiers: Orphanet 244, MedGen C0008780, MONDO:0016575, HP:0012265.

Submissions (2):

Ambry Genetics
Classification: Uncertain significance for Primary ciliary dyskinesia. Last evaluated: 2026-02-19. Review status: criteria provided, single submitter. Criteria: Ambry Variant Classification Scheme 2023. Collection method: clinical testing. Allele origin: germline.
Comment: The p.T906I variant (also known as c.2717C>T), located in coding exon 17 of the ARMC4 gene, results from a C to T substitution at nucleotide position 2717. The threonine at codon 906 is replaced by isoleucine, an amino acid with similar properties. This amino acid position is conserved. In addition, the in silico prediction for this alteration is inconclusive. Based on the available evidence, the clinical significance of this variant remains unclear.

Labcorp Genetics (formerly Invitae), Labcorp
Classification: Uncertain significance for Primary ciliary dyskinesia 23. Last evaluated: 2025-10-02. Review status: criteria provided, single submitter. Criteria: Invitae Variant Classification Sherloc (09022015). Collection method: clinical testing. Allele origin: germline.
Comment: This sequence change replaces threonine, which is neutral and polar, with isoleucine, which is neutral and non-polar, at codon 906 of the ARMC4 protein (p.Thr906Ile). This variant is present in population databases (rs750722314, gnomAD 0.005%). This variant has not been reported in the literature in individuals affected with ARMC4-related conditions. ClinVar contains an entry for this variant (Variation ID: 3730365). An algorithm developed to predict the effect of missense changes on protein structure and function (PolyPhen-2) suggests that this variant is likely to be tolerated. In summary, the available evidence is currently insufficient to determine the role of this variant in disease. Therefore, it has been classified as a Variant of Uncertain Significance.

NM_018076.5(ODAD2):c.2717C>T (p.Thr906Ile)

Gene: ODAD2 (outer dynein arm docking complex subunit 2; minus strand). Cytogenetic location: 10p12.1.
Variant type: single nucleotide variant.
Coding change: c.2717C>T on transcript NM_018076.5 (MANE Select); coding-DNA position 2717, C replaced by T.
Protein change: p.Thr906Ile; replaces threonine 906 with isoleucine.
Molecular consequence: missense variant.
Genome position (GRCh38, 1-based): chr10:27,862,516, G>A on the plus strand (C>T on the coding strand, the complement: ODAD2 is on the minus strand). VCF-style: chr10-27862516-G-A. GRCh37 (hg19) VCF-style: chr10-28151445-G-A.
Other names: c.2717C>T (NM_018076.2); c.2717C>T, p.Thr906Ile (NM_001290020.2); c.1292C>T, p.Thr431Ile (NM_001290021.2); c.1793C>T, p.Thr598Ile (NM_001312689.2); short protein forms T598I, T906I, T431I.
Identifiers: ClinVar variation 3730365 (VCV003730365.3).